The following is an entry in ClinVar:

ClinVar aggregate classification (germline): Uncertain significance (1 of 4 stars; one submission).

Submission:

GeneDx
Classification: Uncertain significance. Last evaluated: 2025-03-18. Review status: criteria provided, single submitter. Criteria: GeneDx Variant Classification Process June 2021. Collection method: clinical testing. Allele origin: germline. Affected: yes.
Comment: Not observed at significant frequency in large population cohorts (gnomAD); In silico analysis supports that this missense variant has a deleterious effect on protein structure/function; Has not been previously published as pathogenic or benign to our knowledge

NM_001386298.1(CIC):c.3235C>G (p.Arg1079Gly)

Gene: CIC (capicua transcriptional repressor; plus strand). Cytogenetic location: 19q13.2.
Variant type: single nucleotide variant.
Coding change: c.3235C>G on transcript NM_001386298.1 (MANE Select); coding-DNA position 3235, C replaced by G.
Protein change: p.Arg1079Gly; replaces arginine 1079 with glycine.
Molecular consequence: missense variant.
Genome position (GRCh38, 1-based): chr19:42,287,375, C>G. VCF-style: chr19-42287375-C-G. GRCh37 (hg19) VCF-style: chr19-42791527-C-G.
Other names: c.3235C>G, p.Arg1079Gly (NM_001304815.2, NM_001379480.1, NM_001379482.1 and 6 more transcripts); c.508C>G, p.Arg170Gly (NM_001379484.1, NM_001379485.1, NM_001439189.1 and 3 more transcripts); short protein forms R1079G, R170G.
Identifiers: ClinVar variation 4086704 (VCV004086704.1).